The following is an entry in ClinVar:

NM_000090.4(COL3A1):c.2493T>C (p.Gly831=)

Gene: COL3A1 (collagen type III alpha 1 chain; plus strand). Cytogenetic location: 2q32.2.
Variant type: single nucleotide variant.
Coding change: c.2493T>C on transcript NM_000090.4 (MANE Select); coding-DNA position 2493, T replaced by C.
Protein change: p.Gly831=; no amino-acid change (glycine 831 retained).
Molecular consequence: synonymous variant.
Genome position (GRCh38, 1-based): chr2:189,003,002, T>C. VCF-style: chr2-189003002-T-C. GRCh37 (hg19) VCF-style: chr2-189867728-T-C.
Identifiers: ClinVar variation 333060 (VCV000333060.22), dbSNP rs551541918, ClinGen allele CA075366.

ClinVar aggregate classification (germline): Conflicting classifications of pathogenicity. Review status: criteria provided, conflicting classifications (1 of 4 stars). 7 submissions from 7 submitters: Uncertain significance (1); Benign (2); Likely benign (4). Last evaluated 2025-10-11.

Conditions:
Ehlers-Danlos syndrome (EDS). Identifiers: Orphanet 98249, MedGen C0013720, MONDO:0020066.
Ehlers-Danlos syndrome, type 4 (EDSVASC). Also called: Ehlers-Danlos Syndrome Type IV; Ehlers-Danlos syndrome vascular type; Ehlers Danlos syndrome, ecchymotic type; Ehlers Danlos syndrome, arterial type; Ehlers Danlos syndrome, Sack-Barabas type. Identifiers: Orphanet 286, MedGen C0268338, MONDO:0017314, OMIM 130050.
Familial thoracic aortic aneurysm and aortic dissection (TAAD). Also called: Thoracic aortic aneurysms and dissections. Identifiers: Orphanet 91387, MedGen C4707243, MONDO:0019625.

Allele frequency attached by ClinVar (database versions not stated): gnomAD below 0.00001 and 0.00003; TOPMed below 0.00001; gnomAD exomes 0.00007 and 0.00016; 1000 Genomes Project 30x 0.00016; 1000 Genomes Project 0.00020; ExAC 0.00043.
gnomAD v4.1: 103 of 1,551,780 alleles (0.0066%); highest among the groups gnomAD compares: South Asian, 0.12%; 3 homozygotes.

Submissions (7):

Labcorp Genetics (formerly Invitae), Labcorp
Classification: Benign for Ehlers-Danlos syndrome, type 4. Last evaluated: 2025-10-11. Review status: criteria provided, single submitter. Criteria: Invitae Variant Classification Sherloc (09022015). Collection method: clinical testing. Allele origin: germline.

All of Us Research Program, National Institutes of Health
Classification: Likely benign for Ehlers-Danlos syndrome, type 4. Last evaluated: 2024-05-14. Review status: criteria provided, single submitter. Criteria: ACMG Guidelines, 2015. Collection method: clinical testing. Allele origin: germline. Inheritance: Autosomal dominant inheritance. Observed: 2 variant alleles, 2 heterozygotes.
Comment: This study involves interpretation of variants in research participants for the purpose of population health screening. Participant phenotype was not available at the time of variant classification. Additional details can be found in publication PMID: 35346344, PMCID: PMC8962531

Blueprint Genetics
Classification: Likely benign. Last evaluated: 2024-04-10. Review status: criteria provided, single submitter. Criteria: ACMG Guidelines, 2015. Collection method: clinical testing. Allele origin: germline.

Ambry Genetics
Classification: Likely benign for Familial thoracic aortic aneurysm and aortic dissection. Last evaluated: 2023-04-28. Review status: criteria provided, single submitter. Criteria: Ambry Variant Classification Scheme 2023. Collection method: clinical testing. Allele origin: germline.

Genome Diagnostics Laboratory, The Hospital for Sick Children
Classification: Uncertain significance for Ehlers-Danlos syndrome. Last evaluated: 2021-12-22. Review status: criteria provided, single submitter. Criteria: ACMG Guidelines, 2015. Collection method: clinical testing. Allele origin: germline.

Color Diagnostics, LLC DBA Color Health
Classification: Likely benign for Familial thoracic aortic aneurysm and aortic dissection. Last evaluated: 2019-02-16. Review status: criteria provided, single submitter. Criteria: ACMG Guidelines, 2015. Collection method: clinical testing. Allele origin: germline.

Illumina Laboratory Services, Illumina
Classification: Benign for Ehlers-Danlos syndrome, type 4. Last evaluated: 2018-01-12. Review status: criteria provided, single submitter. Criteria: ICSL Variant Classification Criteria 13 December 2019. Collection method: clinical testing. Allele origin: germline.
Comment: This variant was observed in the ICSL laboratory as part of a predisposition screen in an ostensibly healthy population. It had not been previously curated by ICSL or reported in the Human Gene Mutation Database (HGMD: prior to June 1st, 2018), and was therefore a candidate for classification through an automated scoring system. Utilizing variant allele frequency, disease prevalence and penetrance estimates, and inheritance mode, an automated score was calculated to assess if this variant is too frequent to cause the disease. Based on the score and internal cut-off values, a variant classified as benign is not then subjected to further curation. The score for this variant resulted in a classification of benign for this disease.